The following is an entry in ClinVar:

ClinVar aggregate classification (germline): Uncertain significance (1 of 4 stars; one submission).

Conditions:
Hereditary cancer-predisposing syndrome. Also called: Tumor predisposition; Hereditary Cancer Syndrome; Hereditary neoplastic syndrome; Neoplastic Syndromes, Hereditary. Identifiers: Orphanet 140162, MedGen C0027672, MeSH D009386, MONDO:0015356.

Submission:

Ambry Genetics
Classification: Uncertain significance for Hereditary cancer-predisposing syndrome. Last evaluated: 2026-02-13. Review status: criteria provided, single submitter. Criteria: Ambry Variant Classification Scheme 2023. Collection method: clinical testing. Allele origin: germline.
Comment: The c.6933_6937+25del30 intronic variant spans the boundary of coding exon 11 and intron 11 in the BRCA2 gene. This variant results from a deletion of 30 nucleotides at positions c.6933 to 6937+25, which deletes the canonical splice donor site. Alterations that disrupt the canonical splice site are expected to cause aberrant splicing, resulting in an abnormal protein or a transcript that is subject to nonsense-mediated mRNA decay. However, this variant resides in an exon that is absent in biologically relevant transcripts (and this exon is also referred to as Exon 12 in the literature) (Li L. Hum. Mutat.. 2009 Nov;30(11):1543-50). Based on the available evidence, the clinical significance of this variant remains unclear.

Literature cited by the submitters: PubMed 19795481.

NM_000059.4(BRCA2):c.6933_6937+25del

Gene: BRCA2 (BRCA2 DNA repair associated; plus strand). Cytogenetic location: 13q13.1.
Variant type: Deletion.
Coding change: c.6933_6937+25del on transcript NM_000059.4 (MANE Select); coding-DNA position 6933 through 25 bases into the intron after coding-DNA position 6937, 30 bases deleted (AGATGGTAAAATTAGCTTTTTATTTATATC).
Molecular consequence: splice donor variant.
Genome position (GRCh38, 1-based): chr13:32,344,649-32,344,678, AGATGGTAAAATTAGCTTTTTATTTATATC deleted; deleting any 30 consecutive bases within chr13:32,344,648-32,344,678 gives the same sequence; the c. name uses the placement nearest the transcript's 3' end. VCF-style (leftmost placement, unchanged base first): chr13-32344647-CCAGATGGTAAAATTAGCTTTTTATTTATAT-C. GRCh37 (hg19) VCF-style: chr13-32918784-CCAGATGGTAAAATTAGCTTTTTATTTATAT-C.
Identifiers: ClinVar variation 1756218 (VCV001756218.3), dbSNP rs2548536079, ClinGen allele CA2580088084.
Genomic context (GRCh38, chr13:32,344,647, plus strand): 5'-AATGAATTTGACAGGATAATAGAAAATCAAGAAAAATCCTTAAAGGCTTCAAAAAGCACT[CCAGATGGTAAAATTAGCTTTTTATTTATAT>C]CTGTTCTCCCTCTATAGGTATGGTATATAATATTCTGACCTCAGGTGATCCACCTGCCTC-3'